The following is an entry in ClinVar:

ClinVar aggregate classification (germline): Conflicting classifications of pathogenicity. Review status: criteria provided, conflicting classifications (1 of 4 stars). 2 submissions from 2 submitters: Uncertain significance (1); Benign (1). Last evaluated 2024-08-29.

Conditions:
Familial hypobetalipoproteinemia 1. Also called: Hypobetalipoproteinemia, normotriglyceridemic; Acanthocytosis with hypobetalipoproteinemia; APOB-Related Familial Hypobetalipoproteinemia. Identifiers: MedGen C4551990, MONDO:0014252, OMIM 615558.
Hypercholesterolemia, autosomal dominant, type B (FHCL2). Also called: Familial Hypercholesterolemia Type B; HYPERCHOLESTEROLEMIA, FAMILIAL, DUE TO LIGAND-DEFECTIVE APOLIPOPROTEIN B; Familial hypercholesterolemia 2; APOB-Related Familial Hypercholesterolemia, Autosomal Dominant; APOLIPOPROTEIN B-100, FAMILIAL DEFECTIVE; APOLIPOPROTEIN B-100, FAMILIAL LIGAND-DEFECTIVE. Identifiers: MedGen C1704417, MONDO:0007751, OMIM 144010.
Cardiovascular phenotype. Identifiers: MedGen CN230736.

Allele frequency attached by ClinVar (database versions not stated): gnomAD exomes below 0.00001; gnomAD 0.00004; TOPMed 0.00005; ESP Exome Variant Server 0.00008.
gnomAD v4.1: 11 of 1,613,034 alleles (0.00068%); highest among the groups gnomAD compares: African/African-American, 0.015%; no homozygotes.

Submissions (2):

Labcorp Genetics (formerly Invitae), Labcorp
Classification: Benign for Familial hypobetalipoproteinemia 1; Hypercholesterolemia, autosomal dominant, type B. Last evaluated: 2024-08-29. Review status: criteria provided, single submitter. Criteria: Invitae Variant Classification Sherloc (09022015). Collection method: clinical testing. Allele origin: germline.

Ambry Genetics
Classification: Uncertain significance for Cardiovascular phenotype. Last evaluated: 2022-05-15. Review status: criteria provided, single submitter. Criteria: Ambry Variant Classification Scheme 2023. Collection method: clinical testing. Allele origin: germline.
Comment: The p.G4094R variant (also known as c.12280G>A), located in coding exon 29 of the APOB gene, results from a G to A substitution at nucleotide position 12280. The glycine at codon 4094 is replaced by arginine, an amino acid with dissimilar properties. This amino acid position is conserved. In addition, this alteration is predicted to be tolerated by in silico analysis. Since supporting evidence is limited at this time, the clinical significance of this alteration remains unclear.

NM_000384.3(APOB):c.12280G>A (p.Gly4094Arg)

Gene: APOB (apolipoprotein B; minus strand). Cytogenetic location: 2p24.1.
Variant type: single nucleotide variant.
Coding change: c.12280G>A on transcript NM_000384.3 (MANE Select); coding-DNA position 12280, G replaced by A.
Protein change: p.Gly4094Arg; replaces glycine 4094 with arginine.
Molecular consequence: missense variant.
Genome position (GRCh38, 1-based): chr2:21,003,142, C>T on the plus strand (G>A on the coding strand, the complement: APOB is on the minus strand). VCF-style: chr2-21003142-C-T. GRCh37 (hg19) VCF-style: chr2-21226014-C-T.
Other names: short protein forms G4094R.
Identifiers: ClinVar variation 921271 (VCV000921271.13), dbSNP rs372357954, ClinGen allele CA43489222.